The following is an entry in ClinVar:

ClinVar aggregate classification (germline): Conflicting classifications of pathogenicity. Review status: criteria provided, conflicting classifications (1 of 4 stars). 5 submissions from 5 submitters: Uncertain significance (1); Likely benign (3). 1 of the submissions does not count toward it. Last evaluated 2025-12-26.

Conditions:
EVC-related disorder. Also called: EVC-related condition; EVC-related disorders.
Ellis-van Creveld syndrome (EVC). Also called: Chondroectodermal dysplasia; MESOECTODERMAL DYSPLASIA. Identifiers: Orphanet 289, MedGen C0013903, MONDO:0009162, OMIM 225500.
Curry-Hall syndrome (WAD). Also called: WEYERS ACRODENTAL DYSOSTOSIS. Identifiers: Orphanet 952, MedGen C0457013, MONDO:0008673, OMIM 193530.

Allele frequency attached by ClinVar (database versions not stated): gnomAD 0.00022; ESP Exome Variant Server 0.00023; gnomAD exomes 0.00024 and 0.00033; TOPMed 0.00027; ExAC 0.00029; 1000 Genomes Project 30x 0.00016; 1000 Genomes Project 0.00020.
gnomAD v4.1: 519 of 1,613,474 alleles (0.032%); highest among the groups gnomAD compares: Admixed American, 0.06%; 1 homozygote.

Submissions (5):

Labcorp Genetics (formerly Invitae), Labcorp
Classification: Likely benign for Curry-Hall syndrome; Ellis-van Creveld syndrome. Last evaluated: 2025-12-26. Review status: criteria provided, single submitter. Criteria: Invitae Variant Classification Sherloc (09022015). Collection method: clinical testing. Allele origin: germline.

CeGaT Center for Human Genetics Tuebingen
Classification: Likely benign. Last evaluated: 2023-02-01. Review status: criteria provided, single submitter. Criteria: CeGaT Center For Human Genetics Tuebingen Variant Classification Criteria Version 2. Collection method: clinical testing. Allele origin: germline. Affected: yes. Observed: 1 variant allele.
Comment: EVC: BP4, BP7

GeneDx
Classification: Likely benign. Last evaluated: 2021-02-10. Review status: criteria provided, single submitter. Criteria: GeneDx Variant Classification Process June 2021. Collection method: clinical testing. Allele origin: germline. Affected: yes.

Illumina Laboratory Services, Illumina
Classification: Uncertain significance for Ellis-van Creveld syndrome. Last evaluated: 2018-01-13. Review status: criteria provided, single submitter. Criteria: ICSL Variant Classification Criteria 13 December 2019. Collection method: clinical testing. Allele origin: germline.

PreventionGenetics, part of Exact Sciences
Classification: Likely benign for EVC-related condition. Last evaluated: 2019-05-24. Review status: no assertion criteria provided. Collection method: clinical testing. Allele origin: germline. Not counted in ClinVar's aggregate classification.
Comment: This variant is classified as likely benign based on ACMG/AMP sequence variant interpretation guidelines (Richards et al. 2015 PMID: 25741868, with internal and published modifications).

NM_153717.3(EVC):c.442T>C (p.Leu148=)

Gene: EVC (EvC ciliary complex subunit 1; plus strand). Cytogenetic location: 4p16.2.
Variant type: single nucleotide variant.
Coding change: c.442T>C on transcript NM_153717.3 (MANE Select); coding-DNA position 442, T replaced by C.
Protein change: p.Leu148=; no amino-acid change (leucine 148 retained).
Molecular consequence: synonymous variant.
Genome position (GRCh38, 1-based): chr4:5,731,482, T>C. VCF-style: chr4-5731482-T-C. GRCh37 (hg19) VCF-style: chr4-5733209-T-C.
Other names: c.442T>C, p.Leu148= (NM_001306090.2, NM_001306092.2).
Identifiers: ClinVar variation 349109 (VCV000349109.43), dbSNP rs139931919, ClinGen allele CA2835702.